The following is an entry in ClinVar:

NM_001290060.2(SEMA3B):c.1949G>A (p.Gly650Asp)

Gene: SEMA3B (semaphorin 3B; plus strand). Cytogenetic location: 3p21.31.
Variant type: single nucleotide variant.
Coding change: c.1949G>A on transcript NM_001290060.2 (MANE Select); coding-DNA position 1949, G replaced by A.
Protein change: p.Gly650Asp; replaces glycine 650 with aspartic acid.
Molecular consequence: missense variant. On other transcripts: non-coding transcript variant (1).
Genome position (GRCh38, 1-based): chr3:50,276,405, G>A. VCF-style: chr3-50276405-G-A. GRCh37 (hg19) VCF-style: chr3-50313836-G-A.
Other names: c.1946G>A, p.Gly649Asp (NM_001005914.3); c.1964G>A, p.Gly655Asp (NM_001290061.1); c.920G>A, p.Gly307Asp (NM_001290062.2, NM_001290063.2); c.1949G>A, p.Gly650Asp (NM_004636.4); short protein forms G307D, G649D, G650D, G655D.
Identifiers: ClinVar variation 2634067 (VCV002634067.1), dbSNP rs1553706747, ClinGen allele CA352920675.

ClinVar aggregate classification (germline): Uncertain significance (1 of 4 stars; one submission).

Conditions:
SEMA3B-related disorder. Also called: SEMA3B-related condition.

Allele frequency attached by ClinVar (database versions not stated): gnomAD 0.00001; gnomAD exomes 0.00001.
gnomAD v4.1: 15 of 1,536,642 alleles (0.00098%); highest among the groups gnomAD compares: Admixed American, 0.0039%; no homozygotes.

Submission:

PreventionGenetics, part of Exact Sciences
Classification: Uncertain significance for SEMA3B-related condition. Last evaluated: 2023-03-16. Review status: criteria provided, single submitter. Criteria: ACMG Guidelines, 2015. Collection method: clinical testing. Allele origin: germline.
Comment: The SEMA3B c.1964G>A variant is predicted to result in the amino acid substitution p.Gly655Asp. To our knowledge, this variant has not been reported in the literature. This variant is reported in one out of ~31,000 alleles in gnomAD. At this time, the clinical significance of this variant is uncertain due to the absence of conclusive functional and genetic evidence.